The following is an entry in ClinVar:

NM_000051.4(ATM):c.4940T>C (p.Leu1647Pro)

Gene: ATM (ATM serine/threonine kinase; plus strand). Cytogenetic location: 11q22.3.
Variant type: single nucleotide variant.
Coding change: c.4940T>C on transcript NM_000051.4 (MANE Select); coding-DNA position 4940, T replaced by C.
Protein change: p.Leu1647Pro; replaces leucine 1647 with proline.
Molecular consequence: missense variant.
Genome position (GRCh38, 1-based): chr11:108,297,317, T>C. VCF-style: chr11-108297317-T-C. GRCh37 (hg19) VCF-style: chr11-108168044-T-C.
Other names: c.4940T>C, p.Leu1647Pro (NM_001351834.2); short protein forms L1647P.
Identifiers: ClinVar variation 3447931 (VCV003447931.1).

ClinVar aggregate classification (germline): Uncertain significance (1 of 4 stars; one submission).

Conditions:
Hereditary cancer-predisposing syndrome. Also called: Tumor predisposition; Neoplastic Syndromes, Hereditary; Hereditary neoplastic syndrome; Hereditary Cancer Syndrome. Identifiers: Orphanet 140162, MedGen C0027672, MeSH D009386, MONDO:0015356.

Submission:

Ambry Genetics
Classification: Uncertain significance for Hereditary cancer-predisposing syndrome. Last evaluated: 2024-11-25. Review status: criteria provided, single submitter. Criteria: Ambry Variant Classification Scheme 2023. Collection method: clinical testing. Allele origin: germline.
Comment: The p.L1647P variant (also known as c.4940T>C), located in coding exon 32 of the ATM gene, results from a T to C substitution at nucleotide position 4940. The leucine at codon 1647 is replaced by proline, an amino acid with similar properties. This amino acid position is highly conserved in available vertebrate species. In addition, this alteration is predicted to be deleterious by in silico analysis. Based on the available evidence, the clinical significance of this variant remains unclear.